The following is an entry in ClinVar:

ClinVar aggregate classification (germline): Uncertain significance. Review status: criteria provided, multiple submitters, no conflicts (2 of 4 stars). 4 submissions from 4 submitters: Uncertain significance (4). Last evaluated 2026-03-31.

Conditions:
Inborn genetic diseases. Identifiers: MedGen C0950123, MeSH D030342.

Allele frequency attached by ClinVar (database versions not stated): TOPMed 0.00002; gnomAD 0.00003 and 0.00004.
gnomAD v4.1: 20 of 1,201,334 alleles (0.0017%); highest among the groups gnomAD compares: Non-Finnish European, 0.0021%; no homozygotes.

Submissions (4):

Ambry Genetics
Classification: Uncertain significance for Inborn genetic diseases. Last evaluated: 2026-03-31. Review status: criteria provided, single submitter. Criteria: Ambry Variant Classification Scheme 2023. Collection method: clinical testing. Allele origin: germline.

Labcorp Genetics (formerly Invitae), Labcorp
Classification: Uncertain significance. Last evaluated: 2025-08-10. Review status: criteria provided, single submitter. Criteria: Invitae Variant Classification Sherloc (09022015). Collection method: clinical testing. Allele origin: germline.
Comment: This sequence change replaces arginine, which is basic and polar, with histidine, which is basic and polar, at codon 152 of the ADCY5 protein (p.Arg152His). This variant is present in population databases (no rsID available, gnomAD 0.005%). This variant has not been reported in the literature in individuals affected with ADCY5-related conditions. ClinVar contains an entry for this variant (Variation ID: 1413937). Invitae Evidence Modeling of protein sequence and biophysical properties (such as structural, functional, and spatial information, amino acid conservation, physicochemical variation, residue mobility, and thermodynamic stability) has been performed for this missense variant. However, the output from this modeling did not meet the statistical confidence thresholds required to predict the impact of this variant on ADCY5 protein function. In summary, the available evidence is currently insufficient to determine the role of this variant in disease. Therefore, it has been classified as a Variant of Uncertain Significance.

Women's Health and Genetics/Laboratory Corporation of America, LabCorp
Classification: Uncertain significance. Last evaluated: 2025-06-26. Review status: criteria provided, single submitter. Criteria: LabCorp Variant Classification Summary - May 2015. Collection method: clinical testing. Allele origin: germline.
Comment: Variant summary: ADCY5 c.455G>A (p.Arg152His) results in a non-conservative amino acid change in the encoded protein sequence. Algorithms developed to predict the effect of missense changes on protein structure and function are either unavailable or do not agree on the potential impact of this missense change. The variant allele was found at a frequency of 1.7e-05 in 1201334 control chromosomes. To our knowledge, no occurrence of c.455G>A in individuals affected with Familial Dyskinesia With Facial Myokymia and no experimental evidence demonstrating its impact on protein function have been reported. ClinVar contains an entry for this variant (Variation ID: 1413937). Based on the evidence outlined above, the variant was classified as uncertain significance.

GeneDx
Classification: Uncertain significance. Last evaluated: 2022-11-10. Review status: criteria provided, single submitter. Criteria: GeneDx Variant Classification Process June 2021. Collection method: clinical testing. Allele origin: germline. Affected: yes.
Comment: In silico analysis supports that this missense variant does not alter protein structure/function; Has not been previously published as pathogenic or benign to our knowledge

NM_183357.3(ADCY5):c.455G>A (p.Arg152His)

Gene: ADCY5 (adenylate cyclase 5; minus strand). Cytogenetic location: 3q21.1.
Variant type: single nucleotide variant.
Coding change: c.455G>A on transcript NM_183357.3 (MANE Select); coding-DNA position 455, G replaced by A.
Protein change: p.Arg152His; replaces arginine 152 with histidine.
Molecular consequence: missense variant.
Genome position (GRCh38, 1-based): chr3:123,448,091, C>T on the plus strand (G>A on the coding strand, the complement: ADCY5 is on the minus strand). VCF-style: chr3-123448091-C-T. GRCh37 (hg19) VCF-style: chr3-123166938-C-T.
Other names: c.455G>A (NM_183357.2); c.455G>A, p.Arg152His (NM_001378259.1); short protein forms R152H.
Identifiers: ClinVar variation 1413937 (VCV001413937.12), dbSNP rs1003462457, ClinGen allele CA82636226.